The following is an entry in ClinVar:

ClinVar aggregate classification (germline): Pathogenic (1 of 4 stars; one submission).

Conditions:
Hereditary cancer-predisposing syndrome. Also called: Hereditary Cancer Syndrome; Neoplastic Syndromes, Hereditary; Tumor predisposition; Hereditary neoplastic syndrome. Identifiers: Orphanet 140162, MedGen C0027672, MeSH D009386, MONDO:0015356.

Submission:

Ambry Genetics
Classification: Pathogenic for Hereditary cancer-predisposing syndrome. Last evaluated: 2016-04-01. Review status: criteria provided, single submitter. Criteria: Ambry Variant Classification Scheme 2023. Collection method: clinical testing. Allele origin: germline.
Comment: The c.232delC pathogenic mutation, located in coding exon 1 of the CHEK2 gene, results from a deletion of one nucleotide at nucleotide position 232, causing a translational frameshift with a predicted alternate stop codon. Since frameshifts are typically deleterious in nature, this alteration is interpreted as a disease-causing mutation (ACMG Recommendations for Standards for Interpretation and Reporting of Sequence Variations. Revision 2007. Genet Med. 2008;10:294).

NM_007194.4(CHEK2):c.232del (p.Gln78fs)

Gene: CHEK2 (checkpoint kinase 2; minus strand). Cytogenetic location: 22q12.1.
Variant type: Deletion.
Coding change: c.232del on transcript NM_007194.4 (MANE Select); coding-DNA position 232, one base deleted (C; older notation c.232delC).
Protein change: p.Gln78fs; shifts the reading frame from glutamine 78.
Molecular consequence: frameshift variant.
Genome position (GRCh38, 1-based): chr22:28,734,490, G deleted on the plus strand (C on the coding strand, the reverse complement: CHEK2 is on the minus strand); the first of 2 consecutive G bases (chr22:28,734,490-28,734,491); deleting either gives the same sequence. VCF-style (leftmost placement, unchanged base first): chr22-28734489-TG-T. GRCh37 (hg19) VCF-style: chr22-29130477-TG-T.
Other names: c.231delC, p.Gln78Lysfs (NM_001005735.3, NM_001349956.3, NM_145862.3); c.-547delC (NM_001257387.3); short protein forms Q78fs.
Identifiers: ClinVar variation 479552 (VCV000479552.5), dbSNP rs1555932344, ClinGen allele CA658656849.